The following is an entry in ClinVar:

NM_201384.3(PLEC):c.4759G>A (p.Glu1587Lys)

Gene: PLEC (plectin; minus strand). Cytogenetic location: 8q24.3.
Variant type: single nucleotide variant.
Coding change: c.4759G>A on transcript NM_201384.3 (MANE Select); coding-DNA position 4759, G replaced by A.
Protein change: p.Glu1587Lys; replaces glutamic acid 1587 with lysine.
Molecular consequence: missense variant.
Genome position (GRCh38, 1-based): chr8:143,925,170, C>T on the plus strand (G>A on the coding strand, the complement: PLEC is on the minus strand). VCF-style: chr8-143925170-C-T. GRCh37 (hg19) VCF-style: chr8-144999338-C-T.
Other names: c.4840G>A, p.Glu1614Lys (NM_000445.5); c.4717G>A, p.Glu1573Lys (NM_201378.4); c.4693G>A, p.Glu1565Lys (NM_201379.3); c.5170G>A, p.Glu1724Lys (NM_201380.4); c.4663G>A, p.Glu1555Lys (NM_201381.3); c.4759G>A, p.Glu1587Lys (NM_201382.4); c.4771G>A, p.Glu1591Lys (NM_201383.3); short protein forms E1555K, E1565K, E1573K, E1587K, E1591K, E1614K, E1724K.
Identifiers: ClinVar variation 521023 (VCV000521023.12), dbSNP rs868928596, ClinGen allele CA187616541.

ClinVar aggregate classification (germline): Uncertain significance. Review status: criteria provided, multiple submitters, no conflicts (2 of 4 stars). 3 submissions from 3 submitters: Uncertain significance (3). Last evaluated 2025-09-16.

Conditions:
Epidermolysis bullosa simplex 5C, with pyloric atresia (EBS5C). Also called: PLEC-Related Epidermolysis Bullosa with Pyloric Atresia; Epidermolysis bullosa simplex with pyloric atresia; PLEC1-Related Epidermolysis Bullosa with Pyloric Atresia. Identifiers: Orphanet 158684, MedGen C2677349, MONDO:0012807, OMIM 612138.
Autosomal recessive limb-girdle muscular dystrophy type 2Q (LGMDR17). Also called: MUSCULAR DYSTROPHY, LIMB-GIRDLE, AUTOSOMAL RECESSIVE 17. Identifiers: Orphanet 254361, MedGen C3150989, MONDO:0013390, OMIM 613723.
Epidermolysis bullosa simplex 5B, with muscular dystrophy (EBS5B). Also called: Epidermolysis bullosa simplex with muscular dystrophy; EPIDERMOLYSIS BULLOSA SIMPLEX AND LIMB-GIRDLE MUSCULAR DYSTROPHY. Identifiers: Orphanet 257, MedGen C2931072, MONDO:0009181, OMIM 226670.
Epidermolysis bullosa simplex, Ogna type (EBS5A). Also called: Pidermolysis bullosa simplex 5A, Ogna type; EPIDERMOLYSIS BULLOSA SIMPLEX 5A, OGNA TYPE. Identifiers: Orphanet 79401, MedGen C0432317, MONDO:0007555, OMIM 131950.
Epidermolysis bullosa simplex with nail dystrophy (EBS5D). Identifiers: MedGen C4225309, MONDO:0014661, OMIM 616487.
Inborn genetic diseases. Identifiers: MedGen C0950123, MeSH D030342.

Allele frequency attached by ClinVar (database versions not stated): gnomAD 0.00001; gnomAD exomes 0.00001; TOPMed 0.00001.
gnomAD v4.1: 17 of 1,563,338 alleles (0.0011%); highest among the groups gnomAD compares: African/African-American, 0.0014%; no homozygotes.

Submissions (3):

Labcorp Genetics (formerly Invitae), Labcorp
Classification: Uncertain significance for Autosomal recessive limb-girdle muscular dystrophy type 2Q; Epidermolysis bullosa simplex, Ogna type; Epidermolysis bullosa simplex with nail dystrophy; Epidermolysis bullosa simplex 5C, with pyloric atresia; Epidermolysis bullosa simplex 5B, with muscular dystrophy. Last evaluated: 2025-09-16. Review status: criteria provided, single submitter. Criteria: Invitae Variant Classification Sherloc (09022015). Collection method: clinical testing. Allele origin: germline.
Comment: This sequence change replaces glutamic acid, which is acidic and polar, with lysine, which is basic and polar, at codon 1614 of the PLEC protein (p.Glu1614Lys). The frequency data for this variant in the population databases is considered unreliable, as metrics indicate poor data quality at this position in the gnomAD database. This variant has not been reported in the literature in individuals affected with PLEC-related conditions. ClinVar contains an entry for this variant (Variation ID: 521023). Experimental studies and prediction algorithms are not available or were not evaluated, and the functional significance of this variant is currently unknown. In summary, the available evidence is currently insufficient to determine the role of this variant in disease. Therefore, it has been classified as a Variant of Uncertain Significance.

Revvity Omics, Revvity
Classification: Uncertain significance. Last evaluated: 2021-12-15. Review status: criteria provided, single submitter. Criteria: ACMG Guidelines, 2015. Collection method: clinical testing. Allele origin: germline.

Ambry Genetics
Classification: Uncertain significance for Inborn genetic diseases. Last evaluated: 2016-03-30. Review status: criteria provided, single submitter. Criteria: Ambry exome assertion method (8-5-2015). Collection method: clinical testing. Allele origin: germline. Affected: yes. Observed: 1 variant allele.